The following is an entry in ClinVar:

NM_005632.3(CAPN15):c.2192+8C>T

Gene: CAPN15 (calpain 15; plus strand). Cytogenetic location: 16p13.3.
Variant type: single nucleotide variant.
Coding change: c.2192+8C>T on transcript NM_005632.3 (MANE Select); 8 bases into the intron after coding-DNA position 2192, C replaced by T.
Molecular consequence: intron variant.
Genome position (GRCh38, 1-based): chr16:551,435, C>T. VCF-style: chr16-551435-C-T. GRCh37 (hg19) VCF-style: chr16-601435-C-T.
Other names: c.2192+8C>T (NM_005632.2).
Identifiers: ClinVar variation 1678396 (VCV001678396.4), dbSNP rs144209708, ClinGen allele CA7778602.

ClinVar aggregate classification (germline): Uncertain significance. Review status: criteria provided, multiple submitters, no conflicts (2 of 4 stars). 3 submissions from 3 submitters: Uncertain significance (2). 1 of the submissions does not count toward it. Last evaluated 2021-05-24.

Conditions:
CAPN15-related disorder. Also called: CAPN15-related condition.

Allele frequency attached by ClinVar (database versions not stated): 1000 Genomes Project 0.00040; 1000 Genomes Project 30x 0.00047; ExAC 0.00181; gnomAD exomes 0.00184 and 0.00298; TOPMed 0.00184; gnomAD 0.00192 and 0.00195; ESP Exome Variant Server 0.00223.
gnomAD v4.1: 4,581 of 1,603,560 alleles (0.29%); highest among the groups gnomAD compares: Non-Finnish European, 0.34%; 8 homozygotes.

Submissions (3):

AiLife Diagnostics
Classification: Uncertain significance. Last evaluated: 2021-05-24. Review status: criteria provided, single submitter. Criteria: ACMG Guidelines, 2015. Collection method: clinical testing. Allele origin: germline. Affected: yes. Observed: 1 variant allele.

Breakthrough Genomics
Classification: Uncertain significance. Review status: criteria provided, single submitter. Criteria: ACMG Guidelines, 2015. Collection method: not provided. Allele origin: germline. Inheritance: Autosomal recessive inheritance. Affected: yes.

PreventionGenetics, part of Exact Sciences
Classification: Likely benign for CAPN15-related condition. Last evaluated: 2019-06-07. Review status: no assertion criteria provided. Collection method: clinical testing. Allele origin: germline. Not counted in ClinVar's aggregate classification.
Comment: This variant is classified as likely benign based on ACMG/AMP sequence variant interpretation guidelines (Richards et al. 2015 PMID: 25741868, with internal and published modifications).